The following is an entry in ClinVar:

NM_001243133.2(NLRP3):c.2322-57T>C

Gene: NLRP3 (NLR family pyrin domain containing 3; plus strand). Cytogenetic location: 1q44.
Variant type: single nucleotide variant.
Coding change: c.2322-57T>C on transcript NM_001243133.2 (MANE Select); 57 bases into the intron before coding-DNA position 2322, T replaced by C.
Molecular consequence: intron variant.
Genome position (GRCh38, 1-based): chr1:247,434,046, T>C. VCF-style: chr1-247434046-T-C. GRCh37 (hg19) VCF-style: chr1-247597348-T-C.
Other names: c.2328-57T>C (NM_004895.5); c.2322-57T>C (NM_001127461.3, NM_001079821.3); c.2151-57T>C (NM_001127462.3, NM_183395.3).
Identifiers: ClinVar variation 2628250 (VCV002628250.2), dbSNP rs80093553, ClinGen allele CA40703666.

ClinVar aggregate classification (germline): Benign (1 of 4 stars; one submission).

Allele frequency attached by ClinVar (database versions not stated): gnomAD exomes 0.00990; 1000 Genomes Project 0.01438; gnomAD 0.01931.
gnomAD v4.1: 7,872 of 757,502 alleles (1%); highest among the groups gnomAD compares: Admixed American, 4%; 1,420 homozygotes.

Submission:

Unidad de Genómica Garrahan, Hospital de Pediatría Garrahan
Classification: Benign. Last evaluated: 2023-11-12. Review status: criteria provided, single submitter. Criteria: ACMG Guidelines, 2015. Collection method: clinical testing. Allele origin: germline. Affected: no. Observed: 27 variant alleles.
Comment: This variant is classified as Benign based on local population frequency. This variant was detected in 28% of patients studied by a panel of primary immunodeficiencies. Number of patients: 27. Only high quality variants are reported.